The following is an entry in ClinVar:

NM_004456.5(EZH2):c.1725G>T (p.Gln575His)

Gene: EZH2 (enhancer of zeste 2 polycomb repressive complex 2 subunit; minus strand). Cytogenetic location: 7q36.1.
Variant type: single nucleotide variant.
Coding change: c.1725G>T on transcript NM_004456.5 (MANE Select); coding-DNA position 1725, G replaced by T.
Protein change: p.Gln575His; replaces glutamine 575 with histidine.
Molecular consequence: missense variant.
Genome position (GRCh38, 1-based): chr7:148,814,085, C>A on the plus strand (G>T on the coding strand, the complement: EZH2 is on the minus strand). VCF-style: chr7-148814085-C-A. GRCh37 (hg19) VCF-style: chr7-148511177-C-A.
Other names: c.1710G>T, p.Gln570His (NM_001203247.2); c.1683G>T, p.Gln561His (NM_001203248.2); c.1557G>T, p.Gln519His (NM_001203249.2); c.1593G>T, p.Gln531His (NM_152998.3); short protein forms Q519H, Q531H, Q561H, Q570H, Q575H.
Identifiers: ClinVar variation 1803384 (VCV001803384.2), dbSNP rs2129469833, ClinGen allele CA369713526.
Genomic context (GRCh38, chr7:148,814,085, plus strand): 5'-GGCTCCACAAGTAAGACAGAGGTCAGGGTCACACTCTCGGACAGCCAGGTAGCACGGGCA[C>A]TGCTTGGTGTTGCACTGTGCTTTGCAGCGGCATCCCGGAAAGCGGTTTTGACCTTCAGAG-3'
Protein context (NP_004447.2, residues 565-585): CRCKAQCNTK[Gln575His]CPCYLAVREC

ClinVar aggregate classification (germline): Uncertain significance (1 of 4 stars; one submission).

Submission:

GeneDx
Classification: Uncertain significance. Last evaluated: 2026-07-15. Review status: criteria provided, single submitter. Criteria: GeneDx Variant Classification Process June 2021. Collection method: clinical testing. Allele origin: germline.
Comment: Not observed at significant frequency in large population cohorts (gnomAD); In silico analysis supports that this missense variant has a deleterious effect on protein structure/function; Has not been previously published as pathogenic or benign to our knowledge